The following is an entry in ClinVar:

NC_000009.11:g.(?_108456942)_(108468054_?)del

Gene: TMEM38B (transmembrane protein 38B; plus strand). Cytogenetic location: 9q31.2.
Variant type: Deletion.
Identifiers: ClinVar variation 3245360 (VCV003245360.1).

ClinVar aggregate classification (germline): Pathogenic (1 of 4 stars; one submission).

Submission:

Labcorp Genetics (formerly Invitae), Labcorp
Classification: Pathogenic. Last evaluated: 2023-10-17. Review status: criteria provided, single submitter. Criteria: Invitae Variant Classification Sherloc (09022015). Collection method: clinical testing. Allele origin: unknown.
Comment: This variant is a gross deletion of the genomic region encompassing exon(s) 1-2 of the TMEM38B gene, which includes the initiator codon. This deletion extends beyond the assayed region for this gene and therefore may encompass additional genes. It is expected to result in an absent or disrupted protein product. Loss-of-function variants in TMEM38B are known to be pathogenic (PMID: 17611541, 23054245). A similar copy number variant has been observed in individual(s) with osteogenesis imperfecta (PMID: 24835313). For these reasons, this variant has been classified as Pathogenic.

Literature cited by the submitters: PubMed 17611541; PubMed 23054245; PubMed 24835313.